The following is an entry in ClinVar:

ClinVar aggregate classification (germline): Conflicting classifications of pathogenicity. Review status: criteria provided, conflicting classifications (1 of 4 stars). 4 submissions from 4 submitters: Uncertain significance (2); Likely benign (1). 1 of the submissions does not count toward it. Last evaluated 2025-09-14.

Conditions:
Hereditary cancer-predisposing syndrome. Also called: Tumor predisposition; Neoplastic Syndromes, Hereditary; Hereditary Cancer Syndrome; Hereditary neoplastic syndrome. Identifiers: Orphanet 140162, MedGen C0027672, MeSH D009386, MONDO:0015356.
Hereditary breast ovarian cancer syndrome. Also called: Hereditary breast and ovarian cancer syndrome (HBOC); Hereditary breast and ovarian cancer syndrome; Hereditary breast and ovarian cancer; Hereditary breast and/or ovarian cancer syndrome; Breast and ovarian cancer; BRCA1- and BRCA2-Associated Hereditary Breast and Ovarian Cancer. Identifiers: Orphanet 145, MedGen C0677776, MeSH D061325, MONDO:0003582. Disease mechanism: loss of function.
Breast-ovarian cancer, familial, susceptibility to, 1 (BROVCA1). Also called: OVARIAN CANCER, SUSCEPTIBILITY TO; BRCA1 Hereditary Breast and Ovarian Cancer. Identifiers: Orphanet 145, MedGen C2676676, MONDO:0011450, OMIM 604370. Disease mechanism: loss of function.

Allele frequency attached by ClinVar (database versions not stated): TOPMed below 0.00001; gnomAD 0.00001.
gnomAD v4.1: 1 of 1,613,772 alleles (0.000062%); no homozygotes.

Submissions (4):

Labcorp Genetics (formerly Invitae), Labcorp
Classification: Uncertain significance for Hereditary breast ovarian cancer syndrome. Last evaluated: 2025-09-14. Review status: criteria provided, single submitter. Criteria: Invitae Variant Classification Sherloc (09022015). Collection method: clinical testing. Allele origin: germline.
Comment: This sequence change replaces glycine, which is neutral and non-polar, with valine, which is neutral and non-polar, at codon 511 of the BRCA1 protein (p.Gly511Val). This variant is not present in population databases (gnomAD no frequency). This variant has not been reported in the literature in individuals affected with BRCA1-related conditions. ClinVar contains an entry for this variant (Variation ID: 37419). Invitae Evidence Modeling of protein sequence and biophysical properties (such as structural, functional, and spatial information, amino acid conservation, physicochemical variation, residue mobility, and thermodynamic stability) indicates that this missense variant is not expected to disrupt BRCA1 protein function with a negative predictive value of 80%. In summary, the available evidence is currently insufficient to determine the role of this variant in disease. Therefore, it has been classified as a Variant of Uncertain Significance.

Ambry Genetics
Classification: Uncertain significance for Hereditary cancer-predisposing syndrome. Last evaluated: 2025-08-10. Review status: criteria provided, single submitter. Criteria: Ambry Variant Classification Scheme 2023. Collection method: clinical testing. Allele origin: germline.

University of Washington Department of Laboratory Medicine, University of Washington
Classification: Likely benign for Hereditary cancer-predisposing syndrome. Last evaluated: 2023-03-23. Review status: criteria provided, single submitter. Criteria: Dines et al. (Genet Med. 2020). Collection method: curation. Allele origin: germline.
Comment: Missense variant in a coldspot region where missense variants are very unlikely to be pathogenic (PMID:31911673).

BRCA1 coldspot (exon 11 using historical exon numbering). Reclassification based on statistical prior probability

Sharing Clinical Reports Project (SCRP)
Classification: Uncertain significance for Breast-ovarian cancer, familial 1. Last evaluated: 2009-06-08. Review status: no assertion criteria provided. Collection method: clinical testing. Allele origin: germline. Not counted in ClinVar's aggregate classification.

NM_007294.4(BRCA1):c.1532G>T (p.Gly511Val)

Gene: BRCA1 (BRCA1 DNA repair associated; minus strand). Cytogenetic location: 17q21.31.
Variant type: single nucleotide variant.
Coding change: c.1532G>T on transcript NM_007294.4 (MANE Select); coding-DNA position 1532, G replaced by T.
Protein change: p.Gly511Val; replaces glycine 511 with valine.
Molecular consequence: missense variant. On other transcripts: intron variant (137).
Genome position (GRCh38, 1-based): chr17:43,093,999, C>A on the plus strand (G>T on the coding strand, the complement: BRCA1 is on the minus strand). VCF-style: chr17-43093999-C-A. GRCh37 (hg19) VCF-style: chr17-41246016-C-A.
Other names: 1651G>T; c.1532G>T, p.Gly511Val (NM_001407858.1, NM_001407859.1, NM_007300.4 and 30 more transcripts); c.1529G>T, p.Gly510Val (NM_001407860.1, NM_001407861.1, NM_001407587.1 and 22 more transcripts); c.1331G>T, p.Gly444Val (NM_001407862.1); c.1409G>T, p.Gly470Val (NM_001407863.1, NM_001407919.1, NM_001407937.1 and 19 more transcripts); c.1328G>T, p.Gly443Val (NM_001407874.1, NM_001407875.1); c.1322G>T, p.Gly441Val (NM_001407879.1, NM_001407881.1, NM_001407882.1 and 13 more transcripts); c.1319G>T, p.Gly440Val (NM_001407894.1, NM_001407895.1, NM_001407896.1 and 9 more transcripts); and 41 more; short protein forms G511V, G464V, G399V, G400V, G440V, G463V, G485V, G384V.
Identifiers: ClinVar variation 37419 (VCV000037419.9), dbSNP rs397507188, ClinGen allele CA001033.